The following is an entry in ClinVar:

NM_016247.4(IMPG2):c.3622C>A (p.Leu1208Ile)

Gene: IMPG2 (interphotoreceptor matrix proteoglycan 2; minus strand). Cytogenetic location: 3q12.3.
Variant type: single nucleotide variant.
Coding change: c.3622C>A on transcript NM_016247.4 (MANE Select); coding-DNA position 3622, C replaced by A.
Protein change: p.Leu1208Ile; replaces leucine 1208 with isoleucine.
Molecular consequence: missense variant.
Genome position (GRCh38, 1-based): chr3:101,229,391, G>T on the plus strand (C>A on the coding strand, the complement: IMPG2 is on the minus strand). VCF-style: chr3-101229391-G-T. GRCh37 (hg19) VCF-style: chr3-100948235-G-T.
Other names: short protein forms L1208I.
Identifiers: ClinVar variation 957755 (VCV000957755.9), dbSNP rs1706260212, ClinGen allele CA353846771.

ClinVar aggregate classification (germline): Uncertain significance (1 of 4 stars; one submission).

Allele frequency attached by ClinVar (database versions not stated): TOPMed below 0.00001; gnomAD 0.00001; gnomAD exomes 0.00001.
gnomAD v4.1: 9 of 1,452,956 alleles (0.00062%); highest among the groups gnomAD compares: Non-Finnish European, 0.00074%; no homozygotes.

Submission:

Labcorp Genetics (formerly Invitae), Labcorp
Classification: Uncertain significance. Last evaluated: 2019-09-03. Review status: criteria provided, single submitter. Criteria: Invitae Variant Classification Sherloc (09022015). Collection method: clinical testing. Allele origin: germline.
Comment: This sequence change replaces leucine with isoleucine at codon 1208 of the IMPG2 protein (p.Leu1208Ile). The leucine residue is highly conserved and there is a small physicochemical difference between leucine and isoleucine. In summary, the available evidence is currently insufficient to determine the role of this variant in disease. Therefore, it has been classified as a Variant of Uncertain Significance. Algorithms developed to predict the effect of missense changes on protein structure and function are either unavailable or do not agree on the potential impact of this missense change (SIFT: "Deleterious"; PolyPhen-2: "Probably Damaging"; Align-GVGD: "Class C0"). This variant has not been reported in the literature in individuals with IMPG2-related conditions. This variant is not present in population databases (ExAC no frequency).